The following is an entry in ClinVar:

NM_005476.7(GNE):c.1016C>T (p.Thr339Ile)

Gene: GNE (glucosamine (UDP-N-acetyl)-2-epimerase/N-acetylmannosamine kinase; minus strand). Cytogenetic location: 9p13.3.
Variant type: single nucleotide variant.
Coding change: c.1016C>T on transcript NM_005476.7 (MANE Select); coding-DNA position 1016, C replaced by T.
Protein change: p.Thr339Ile; replaces threonine 339 with isoleucine.
Molecular consequence: missense variant.
Genome position (GRCh38, 1-based): chr9:36,229,075, G>A on the plus strand (C>T on the coding strand, the complement: GNE is on the minus strand). VCF-style: chr9-36229075-G-A. GRCh37 (hg19) VCF-style: chr9-36229072-G-A.
Other names: c.1109C>T, p.Thr370Ile (NM_001128227.3); c.1016C>T, p.Thr339Ile (NM_001190383.3); c.686C>T, p.Thr229Ile (NM_001190384.3); c.839C>T, p.Thr280Ile (NM_001190388.2, NM_001374798.1); c.863C>T, p.Thr288Ile (NM_001374797.1); short protein forms T370I, T280I, T288I, T339I, T229I.
Identifiers: ClinVar variation 1991497 (VCV001991497.4), dbSNP rs773054972, ClinGen allele CA5056600.
Genomic context (GRCh38, chr9:36,229,075, plus strand): 5'-ACTCACCAAGGGTACTGTTTACCAAACTGAAGGTGCAGTGCTTGCAATATTTTGTCTTGG[G>A]TGTCAGCATCCCGGACATGAAGAACATTCTCCCCTAGGTAAAACCAGTGACACATTACAA-3'
Protein context (NP_005467.1, residues 329-349): ENVLHVRDAD[Thr339Ile]QDKILQALHL

ClinVar aggregate classification (germline): Uncertain significance (1 of 4 stars; one submission).

Conditions:
Sialuria. Also called: SIALURIA, FRENCH TYPE; Sialic Acid Storage Disease. Identifiers: Orphanet 3166, MedGen C0342853, MONDO:0010028, OMIM 269921.
GNE myopathy (NM). Also called: MYOPATHY, DISTAL, WITH OR WITHOUT RIMMED VACUOLES; NONAKA DISTAL MYOPATHY; IBM 2; Inclusion body myopathy autosomal recessive; Inclusion body myopathy quadriceps sparing; INCLUSION BODY MYOPATHY, HEREDITARY, AUTOSOMAL RECESSIVE. Identifiers: Orphanet 602, MedGen C1853926, MONDO:0011603, OMIM 605820.

Allele frequency attached by ClinVar (database versions not stated): ExAC 0.00001.

Submission:

Labcorp Genetics (formerly Invitae), Labcorp
Classification: Uncertain significance for Sialuria; GNE myopathy. Last evaluated: 2022-09-07. Review status: criteria provided, single submitter. Criteria: Invitae Variant Classification Sherloc (09022015). Collection method: clinical testing. Allele origin: germline.
Comment: This sequence change replaces threonine, which is neutral and polar, with isoleucine, which is neutral and non-polar, at codon 370 of the GNE protein (p.Thr370Ile). This variant is present in population databases (rs773054972, gnomAD 0.002%). This variant has not been reported in the literature in individuals affected with GNE-related conditions. Algorithms developed to predict the effect of missense changes on protein structure and function are either unavailable or do not agree on the potential impact of this missense change (SIFT: "Deleterious"; PolyPhen-2: "Benign"; Align-GVGD: "Class C65"). In summary, the available evidence is currently insufficient to determine the role of this variant in disease. Therefore, it has been classified as a Variant of Uncertain Significance.